The following is an entry in ClinVar:

NM_001267550.2(TTN):c.41286G>A (p.Leu13762=)

Gene: TTN (titin; minus strand). Cytogenetic location: 2q31.2.
Variant type: single nucleotide variant.
Coding change: c.41286G>A on transcript NM_001267550.2 (MANE Select); coding-DNA position 41286, G replaced by A.
Protein change: p.Leu13762=; no amino-acid change (leucine 13762 retained).
Molecular consequence: synonymous variant.
Genome position (GRCh38, 1-based): chr2:178,636,441, C>T on the plus strand (G>A on the coding strand, the complement: TTN is on the minus strand). VCF-style: chr2-178636441-C-T. GRCh37 (hg19) VCF-style: chr2-179501168-C-T.
Other names: c.36363G>A, p.Leu12121= (NM_001256850.1); c.14091G>A, p.Leu4697= (NM_003319.4); c.33582G>A, p.Leu11194= (NM_133378.4); c.14466G>A, p.Leu4822= (NM_133432.3); c.14667G>A, p.Leu4889= (NM_133437.4).
Identifiers: ClinVar variation 429511 (VCV000429511.2), dbSNP rs1131691424, ClinGen allele CA430278092.

ClinVar aggregate classification (germline): Uncertain significance (1 of 4 stars; one submission).

Submission:

GeneDx
Classification: Uncertain significance. Last evaluated: 2017-12-15. Review status: criteria provided, single submitter. Criteria: GeneDx Variant Classification (06012015). Collection method: clinical testing. Allele origin: germline. Affected: yes.
Comment: A variant of uncertain significance has been identified in the TTN gene. The c.33582 G>A variant has not been published as a pathogenic variant, nor has it been reported as a benign variant to our knowledge. The c.33582 G>A variant is not observed in large population cohorts (Lek et al., 2016; 1000 Genomes Consortium et al., 2015; Exome Variant Server). Several in-silico splice prediction models predict that c.33582 G>A creates a cryptic acceptor site which may supplant the natural acceptor site and lead to abnormal gene splicing. However, in the absence of RNA/functional studies, the actual effect of this sequence change in this individual is unknown. Additionally, the c.33582 G>A variant is not located in the A-band nor the M-line region of titin, where the majority of pathogenic truncating variants have been reported. Therefore, based on the currently available information, it is unclear whether this variant is a pathogenic variant or a rare benign variant.